The following is an entry in ClinVar:

NM_000245.4(MET):c.1701+5del

Gene: MET (MET proto-oncogene, receptor tyrosine kinase; plus strand). Cytogenetic location: 7q31.2.
Variant type: Deletion.
Coding change: c.1701+5del on transcript NM_000245.4 (MANE Select); 5 bases into the intron after coding-DNA position 1701, one base deleted (G; older notation c.1701+5delG).
Molecular consequence: intron variant.
Genome position (GRCh38, 1-based): chr7:116,741,030, G deleted; the last of 2 consecutive G bases (chr7:116,741,029-116,741,030); deleting either gives the same sequence. VCF-style (leftmost placement, unchanged base first): chr7-116741028-AG-A. GRCh37 (hg19) VCF-style: chr7-116381082-AG-A.
Other names: c.1701+5del (NM_001127500.3, NM_001324401.3); c.411+5del (NM_001324402.2).
Identifiers: ClinVar variation 3640272 (VCV003640272.2).

ClinVar aggregate classification (germline): Uncertain significance (1 of 4 stars; one submission).

Conditions:
Renal cell carcinoma. Identifiers: Orphanet 217071, MedGen C0007134, MeSH D002292, MONDO:0005086, HP:0005584.

Submission:

Labcorp Genetics (formerly Invitae), Labcorp
Classification: Uncertain significance for Renal cell carcinoma. Last evaluated: 2024-02-12. Review status: criteria provided, single submitter. Criteria: Invitae Variant Classification Sherloc (09022015). Collection method: clinical testing. Allele origin: germline.
Comment: This sequence change falls in intron 5 of the MET gene. It does not directly change the encoded amino acid sequence of the MET protein. It affects a nucleotide within the consensus splice site. This variant is not present in population databases (gnomAD no frequency). This variant has not been reported in the literature in individuals affected with MET-related conditions. Variants that disrupt the consensus splice site are a relatively common cause of aberrant splicing (PMID: 17576681, 9536098). Algorithms developed to predict the effect of sequence changes on RNA splicing suggest that this variant is not likely to affect RNA splicing. In summary, the available evidence is currently insufficient to determine the role of this variant in disease. Therefore, it has been classified as a Variant of Uncertain Significance.

Literature cited by the submitters: PubMed 17576681; PubMed 9536098.